The following is an entry in ClinVar:

NM_000070.3(CAPN3):c.1507_1511del (p.Gly503fs)

Gene: CAPN3 (calpain 3; plus strand). Cytogenetic location: 15q15.1.
Variant type: Deletion.
Coding change: c.1507_1511del on transcript NM_000070.3 (MANE Select); coding-DNA positions 1507 to 1511, 5 bases deleted (GGCTT; older notation c.1507_1511delGGCTT).
Protein change: p.Gly503fs; shifts the reading frame from glycine 503.
Molecular consequence: frameshift variant.
Genome position (GRCh38, 1-based): chr15:42,401,793-42,401,797, GGCTT deleted; deleting any 5 consecutive bases within chr15:42,401,791-42,401,797 gives the same sequence; the c. name uses the placement nearest the transcript's 3' end. VCF-style (leftmost placement, unchanged base first): chr15-42401790-ATTGGC-A. GRCh37 (hg19) VCF-style: chr15-42693988-ATTGGC-A.
Other names: c.1507_1511del, p.Gly503fs (NM_024344.2); c.1363_1367del, p.Gly455fs (NM_173087.2); c.1246_1250delGGCTT, p.Gly416Argfs (NM_212464.2); c.*1200_*1204delGGCTT (NM_212467.2); c.1507_1511delGGCTT (NM_000070.2); short protein forms G503fs, G455fs.
Identifiers: ClinVar variation 2736181 (VCV002736181.6), dbSNP rs2548276716, ClinGen allele CA2695220027.

ClinVar aggregate classification (germline): Pathogenic. Review status: criteria provided, multiple submitters, no conflicts (2 of 4 stars). 3 submissions from 3 submitters: Pathogenic (3). Last evaluated 2024-04-18.

Conditions:
Autosomal recessive limb-girdle muscular dystrophy type 2A (LGMDR1). Also called: Muscular dystrophy, limb-girdle, type 2A, Amish; Limb-girdle muscular dystrophy, type 2A; Calpainopathy; LEYDEN-MOEBIUS MUSCULAR DYSTROPHY; MUSCULAR DYSTROPHY, PELVOFEMORAL. Identifiers: Orphanet 267, MedGen C1869123, MONDO:0009675, OMIM 253600. Disease mechanism: loss of function.
Muscular dystrophy, limb-girdle, autosomal dominant 4. Also called: Calpain-3-related limb-girdle muscular dystrophy D4; MUSCULAR DYSTROPHY, LIMB-GIRDLE, TYPE 1I. Identifiers: Orphanet 565909, MedGen C4748295, MONDO:0029133, OMIM 618129.

Submissions (3):

Natera, Inc.
Classification: Pathogenic for Limb-girdle muscular dystrophy type 2A. Last evaluated: 2024-04-18. Review status: criteria provided, single submitter. Criteria: Natera Variant Classification Schema (03/2026). Collection method: clinical testing. Allele origin: germline.
Comment: The c.1507_1511delGGCTT variant in CAPN3 is a frameshift variant predicted to shift the reading frame beginning at codon 503 and leads to a stop codon 72 codons downstream. This variant is expected to result in nonsense mediated decay, truncation, or a dysfunctional protein product. This variant is rare in the general population with a frequency below the threshold expected for the associated phenotype(s). This variant has been observed in one or more individuals affected with the associated recessive disease, as either homozygous or compound heterozygous with a second variant (PMID: 22926650). Given the available evidence, this variant is classified as Pathogenic.

Labcorp Genetics (formerly Invitae), Labcorp
Classification: Pathogenic for Autosomal recessive limb-girdle muscular dystrophy type 2A. Last evaluated: 2023-11-24. Review status: criteria provided, single submitter. Criteria: Invitae Variant Classification Sherloc (09022015). Collection method: clinical testing. Allele origin: germline.
Comment: This sequence change creates a premature translational stop signal (p.Gly503Argfs*72) in the CAPN3 gene. It is expected to result in an absent or disrupted protein product. Loss-of-function variants in CAPN3 are known to be pathogenic (PMID: 10330340, 15689361). This variant is not present in population databases (gnomAD no frequency). This premature translational stop signal has been observed in individual(s) with limb-girdle muscular dystrophy (PMID: 22926650). For these reasons, this variant has been classified as Pathogenic.

Juno Genomics, Hangzhou Juno Genomics, Inc
Classification: Pathogenic for Muscular dystrophy, limb-girdle, autosomal dominant 4; Autosomal recessive limb-girdle muscular dystrophy type 2A. Review status: criteria provided, single submitter. Criteria: ACMG Guidelines, 2015. Collection method: clinical testing. Allele origin: germline.
Comment: Absent from controls (or at extremely low frequency if recessive) in Genome Aggregation Database.;Null variant in a gene where loss of function (LOF) is a known mechanism of disease.;For recessive disorders, detected in trans with a pathogenic variant.

Literature cited by the submitters: PubMed 22926650 (cited by Natera, Inc. and Labcorp Genetics (formerly Invitae), Labcorp); PubMed 10330340 (cited by Labcorp Genetics (formerly Invitae), Labcorp); PubMed 15689361 (cited by Labcorp Genetics (formerly Invitae), Labcorp).